The following is an entry in ClinVar:

NM_000019.4(ACAT1):c.579+2T>A

Gene: ACAT1 (acetyl-CoA acetyltransferase 1; plus strand). Cytogenetic location: 11q22.3.
Variant type: single nucleotide variant.
Coding change: c.579+2T>A on transcript NM_000019.4 (MANE Select); the canonical splice donor site of the intron after coding-DNA position 579, T replaced by A.
Molecular consequence: splice donor variant.
Genome position (GRCh38, 1-based): chr11:108,139,043, T>A. VCF-style: chr11-108139043-T-A. GRCh37 (hg19) VCF-style: chr11-108009770-T-A.
Other names: c.309+2T>A (NM_001386682.1, NM_001386681.1, NM_001386685.1 and 6 more transcripts); c.579+2T>A (NM_001386677.1); c.282+2T>A (NM_001386679.1); c.264+2T>A (NM_001386678.1).
Identifiers: ClinVar variation 1496506 (VCV001496506.8), dbSNP rs112950994, ClinGen allele CA382507365.
Genomic context (GRCh38, chr11:108,139,043, plus strand): 5'-AGCTTGAAGATTTGATTGTAAAAGACGGGCTAACTGATGTCTACAATAAAATTCATATGG[T>A]AAATGTGATTTTTAGTGGATAAATGCTATCTAATGTCCAATACTGTTTGATTTTTCTTAC-3'

ClinVar aggregate classification (germline): Likely pathogenic (1 of 4 stars; one submission).

Conditions:
Deficiency of acetyl-CoA acetyltransferase. Also called: Beta-ketothiolase deficiency; MITOCHONDRIAL ACETOACETYL-CoA THIOLASE DEFICIENCY; 3-KETOTHIOLASE DEFICIENCY; 3-OXOTHIOLASE DEFICIENCY. Identifiers: Orphanet 134, MedGen C1536500, MONDO:0008760, OMIM 203750. Disease mechanism: loss of function.

Submission:

Labcorp Genetics (formerly Invitae), Labcorp
Classification: Likely pathogenic for Deficiency of acetyl-CoA acetyltransferase. Last evaluated: 2022-06-20. Review status: criteria provided, single submitter. Criteria: Invitae Variant Classification Sherloc (09022015). Collection method: clinical testing. Allele origin: germline.
Comment: This sequence change affects a donor splice site in intron 6 of the ACAT1 gene. It is expected to disrupt RNA splicing. Variants that disrupt the donor or acceptor splice site typically lead to a loss of protein function (PMID: 16199547), and loss-of-function variants in ACAT1 are known to be pathogenic (PMID: 7749408). This variant is not present in population databases (gnomAD no frequency). In summary, the currently available evidence indicates that the variant is pathogenic, but additional data are needed to prove that conclusively. Therefore, this variant has been classified as Likely Pathogenic. Algorithms developed to predict the effect of sequence changes on RNA splicing suggest that this variant may disrupt the consensus splice site. This variant has not been reported in the literature in individuals affected with ACAT1-related conditions.

Literature cited by the submitters: PubMed 16199547; PubMed 7749408.